The following is an entry in ClinVar:

ClinVar aggregate classification (germline): Uncertain significance. Review status: criteria provided, multiple submitters, no conflicts (2 of 4 stars). 7 submissions from 7 submitters: Uncertain significance (7). Last evaluated 2026-01-22.

Conditions:
Cardiovascular phenotype. Identifiers: MedGen CN230736.
Cardiomyopathy (CMYO). Also called: Cardiomyopathies. Identifiers: Orphanet 167848, MedGen C0878544, MONDO:0004994, HP:0001638. Inheritance: Various modes of inheritance.
Hypertrophic cardiomyopathy. Also called: HYPERTROPHIC MYOCARDIOPATHY. Identifiers: Orphanet 217569, MedGen C0007194, MeSH D002312, MONDO:0005045, HP:0001639.

Allele frequency attached by ClinVar (database versions not stated): TOPMed below 0.00001; ExAC 0.00007.
gnomAD v4.1: 22 of 1,614,086 alleles (0.0014%); highest among the groups gnomAD compares: Non-Finnish European, 0.0017%; no homozygotes.

Submissions (7):

Labcorp Genetics (formerly Invitae), Labcorp
Classification: Uncertain significance for Hypertrophic cardiomyopathy. Last evaluated: 2026-01-22. Review status: criteria provided, single submitter. Criteria: Invitae Variant Classification Sherloc (09022015). Collection method: clinical testing. Allele origin: germline.
Comment: This sequence change replaces arginine, which is basic and polar, with cysteine, which is neutral and slightly polar, at codon 1634 of the MYH7 protein (p.Arg1634Cys). The frequency data for this variant in the population databases is considered unreliable, as metrics indicate poor data quality at this position in the gnomAD database. This missense change has been observed in individual(s) with dilated cardiomyopathy (PMID: 15769782; internal data). ClinVar contains an entry for this variant (Variation ID: 43043). Invitae Evidence Modeling of protein sequence and biophysical properties (such as structural, functional, and spatial information, amino acid conservation, physicochemical variation, residue mobility, and thermodynamic stability) indicates that this missense variant is expected to disrupt MYH7 protein function with a positive predictive value of 95%. In summary, the available evidence is currently insufficient to determine the role of this variant in disease. Therefore, it has been classified as a Variant of Uncertain Significance.

GeneDx
Classification: Uncertain significance. Last evaluated: 2025-09-24. Review status: criteria provided, single submitter. Criteria: GeneDx Variant Classification Process June 2021. Collection method: clinical testing. Allele origin: germline. Affected: yes.
Comment: Reported in association with DCM (PMID: 15769782); Not observed at significant frequency in large population cohorts (gnomAD); In silico analysis supports that this missense variant has a deleterious effect on protein structure/function; This variant is associated with the following publications: (PMID: 16416045, 21424860, 12881443, 36264615, 22337857, 15769782)

Color Diagnostics, LLC DBA Color Health
Classification: Uncertain significance for Cardiomyopathy. Last evaluated: 2024-02-05. Review status: criteria provided, single submitter. Criteria: ACMG Guidelines, 2015. Collection method: clinical testing. Allele origin: germline.
Comment: This missense variant replaces arginine with cysteine at codon 1634 of the MYH7 protein. Computational prediction suggests that this variant may have deleterious impact on protein structure and function. To our knowledge, functional studies have not been reported for this variant. This variant has been reported in individuals affected with dilated cardiomyopathy (PMID: 15769782, 22337857). This variant has been identified in 3/251440 chromosomes in the general population by the Genome Aggregation Database (gnomAD). The available evidence is insufficient to determine the role of this variant in disease conclusively. Therefore, this variant is classified as a Variant of Uncertain Significance.

All of Us Research Program, National Institutes of Health
Classification: Uncertain significance for Cardiomyopathy. Last evaluated: 2023-10-30. Review status: criteria provided, single submitter. Criteria: ACMG Guidelines, 2015. Collection method: clinical testing. Allele origin: germline. Inheritance: Autosomal dominant inheritance. Observed: 2 variant alleles, 2 heterozygotes.
Comment: This missense variant replaces arginine with cysteine at codon 1634 of the MYH7 protein. Computational prediction suggests that this variant may have deleterious impact on protein structure and function (internally defined REVEL score threshold >= 0.7, PMID: 27666373). To our knowledge, functional studies have not been reported for this variant. This variant has been reported in individuals affected with dilated cardiomyopathy (PMID: 15769782, 22337857). This variant has been identified in 3/251440 chromosomes in the general population by the Genome Aggregation Database (gnomAD). The available evidence is insufficient to determine the role of this variant in disease conclusively. Therefore, this variant is classified as a Variant of Uncertain Significance.

This study involves interpretation of variants in research participants for the purpose of population health screening. Participant phenotype was not available at the time of variant classification. Additional details can be found in publication PMID: 35346344, PMCID: PMC8962531

Ambry Genetics
Classification: Uncertain significance for Cardiovascular phenotype. Last evaluated: 2022-08-29. Review status: criteria provided, single submitter. Criteria: Ambry Variant Classification Scheme 2023. Collection method: clinical testing. Allele origin: germline.
Comment: The p.R1634C variant (also known as c.4900C>T), located in coding exon 32 of the MYH7 gene, results from a C to T substitution at nucleotide position 4900. The arginine at codon 1634 is replaced by cysteine, an amino acid with highly dissimilar properties. This variant has been detected in an individual with dilated cardiomyopathy and in an exome sequencing cohort not selected for the presence of cardiovascular disease; however, details were limited (Villard E et al. Eur. Heart J., 2005 Apr;26:794-803; Norton N et al. Circ Cardiovasc Genet. 2012 Apr;5(2):167-74). This amino acid position is highly conserved in available vertebrate species. In addition, this alteration is predicted to be deleterious by in silico analysis. Since supporting evidence is limited at this time, the clinical significance of this alteration remains unclear.

Laboratory for Molecular Medicine, Mass General Brigham Personalized Medicine
Classification: Uncertain significance. Last evaluated: 2022-06-30. Review status: criteria provided, single submitter. Criteria: ACMG Guidelines, 2015. Collection method: clinical testing. Allele origin: germline.
Comment: The p.Arg1634Cys variant in MYH7 has been identified 1 individual with DCM (Villard 2005) but has also been identified in 3/251440 chromosomes by gnomAD. Computational prediction tools and conservation analysis suggest that this variant may impact the protein, though this information is not predictive enough to determine pathogenicity. In summary, the clinical significance of this variant is uncertain. ACMG/AMP Criteria applied: PM2, PP3.

Blueprint Genetics
Classification: Uncertain significance. Last evaluated: 2020-04-24. Review status: criteria provided, single submitter. Criteria: ACMG Guidelines, 2015. Collection method: clinical testing. Allele origin: germline.

Literature cited by the submitters: PubMed 15769782 (cited by 5 submitters); PubMed 22337857 (cited by 3 submitters); PubMed 12881443 (cited by Laboratory for Molecular Medicine, Mass General Brigham Personalized Medicine).

NM_000257.4(MYH7):c.4900C>T (p.Arg1634Cys)

Genes: MHRT (myosin heavy chain associated RNA transcript; plus strand), MYH7 (myosin heavy chain 7; minus strand), LOC126861897 (BRD4-independent group 4 enhancer GRCh37_chr14:23884455-23885654; plus strand). Cytogenetic location: 14q11.2.
Variant type: single nucleotide variant.
Coding change: c.4900C>T on transcript NM_000257.4 (MANE Select); coding-DNA position 4900, C replaced by T.
Protein change: p.Arg1634Cys; replaces arginine 1634 with cysteine.
Molecular consequence: missense variant. On other transcripts: non-coding transcript variant (1).
Genome position (GRCh38, 1-based): chr14:23,416,057, G>A on the plus strand (C>T on the coding strand, the complement: MYH7 is on the minus strand). VCF-style: chr14-23416057-G-A. GRCh37 (hg19) VCF-style: chr14-23885266-G-A.
Other names: short protein forms R1634C.
Identifiers: ClinVar variation 43043 (VCV000043043.21), dbSNP rs397516232, ClinGen allele CA015436.